The following is an entry in ClinVar:

NM_001110.4(ADAM10):c.1133A>C (p.His378Pro)

Gene: ADAM10 (ADAM metallopeptidase domain 10; minus strand). Cytogenetic location: 15q21.3.
Variant type: single nucleotide variant.
Coding change: c.1133A>C on transcript NM_001110.4 (MANE Select); coding-DNA position 1133, A replaced by C.
Protein change: p.His378Pro; replaces histidine 378 with proline.
Molecular consequence: missense variant.
Genome position (GRCh38, 1-based): chr15:58,633,239, T>G on the plus strand (A>C on the coding strand, the complement: ADAM10 is on the minus strand). VCF-style: chr15-58633239-T-G. GRCh37 (hg19) VCF-style: chr15-58925438-T-G.
Other names: c.1040A>C, p.His347Pro (NM_001320570.2); short protein forms H347P, H378P.
Identifiers: ClinVar variation 3382276 (VCV003382276.2).

ClinVar aggregate classification (germline): Uncertain significance (1 of 4 stars; one submission).

Conditions:
Reticulate acropigmentation of Kitamura (RAK). Also called: Kitamura reticulate acropigmentation; RETICULAR PIGMENT ANOMALY OF FLEXURES. Identifiers: Orphanet 178307, MedGen C0406811, MONDO:0014234, OMIM 615537.

Submission:

Juno Genomics, Hangzhou Juno Genomics, Inc
Classification: Uncertain significance for Reticulate acropigmentation of Kitamura. Review status: criteria provided, single submitter. Criteria: ACMG Guidelines, 2015. Collection method: clinical testing. Allele origin: germline. Affected: yes.
Comment: Absent from controls (or at extremely low frequency if recessive) in Genome Aggregation Database, Exome Sequencing Project, 1000 Genomes Project, or Exome Aggregation Consortium.;Multiple lines of computational evidence support a deleterious effect on the gene or gene product (conservation, evolutionary, splicing impact, etc).;Missense variant in a gene that has a low rate of benign missense variation and where missense variants are a common mechanism of disease.